The following is an entry in ClinVar:

ClinVar aggregate classification (germline): Uncertain significance (1 of 4 stars; one submission).

gnomAD v4.1: 1 of 1,613,828 alleles (0.000062%); highest among the groups gnomAD compares: Non-Finnish European, 0.000085%; no homozygotes.

Submission:

Dasa
Classification: Uncertain significance. Last evaluated: 2025-08-19. Review status: criteria provided, single submitter. Criteria: DASA Assertion Criteria. Collection method: clinical testing. Allele origin: germline.
Comment: NM_198241.3(EIF4G1):c.1387G>A (p.Glu463Lys) is a missense variant that results in the substitution of glutamic acid with lysine. This variant is rare in population databases. Computational prediction algorithms are consistent with a benign effect. The currently available literature and clinical evidence are not sufficient to establish a definitive association between this variant and the reported condition. Therefore, this variant is classified as a variant of uncertain significance.

NM_198241.3(EIF4G1):c.1387G>A (p.Glu463Lys)

Gene: EIF4G1 (eukaryotic translation initiation factor 4 gamma 1; plus strand). Cytogenetic location: 3q27.1.
Variant type: single nucleotide variant.
Coding change: c.1387G>A on transcript NM_198241.3 (MANE Select); coding-DNA position 1387, G replaced by A.
Protein change: p.Glu463Lys; replaces glutamic acid 463 with lysine.
Molecular consequence: missense variant.
Genome position (GRCh38, 1-based): chr3:184,321,971, G>A. VCF-style: chr3-184321971-G-A. GRCh37 (hg19) VCF-style: chr3-184039759-G-A.
Other names: c.1408G>A, p.Glu470Lys (NM_001194946.2, NM_001194947.2); c.1267G>A, p.Glu423Lys (NM_001291157.2); c.799G>A, p.Glu267Lys (NM_004953.5); c.1387G>A, p.Glu463Lys (NM_182917.4); c.895G>A, p.Glu299Lys (NM_198242.3); c.1126G>A, p.Glu376Lys (NM_198244.3); short protein forms E267K, E299K, E376K, E423K, E463K, E470K.
Identifiers: ClinVar variation 4882133 (VCV004882133.2).
Genomic context (GRCh38, chr3:184,321,971, plus strand): 5'-GCTACGGCTCCTTCAGCTACTTCCCCAGCTCAGGAGGAGGAAATGGAAGAAGAAGAAGAA[G>A]AGGAAGAAGGAGAAGCAGGAGAAGCAGGAGAAGCTGAGAGTGAGAAAGGAGGAGAGGAAC-3'
Protein context (NP_937884.2, residues 453-473): QEEEMEEEEE[Glu463Lys]EEGEAGEAGE